The following is an entry in ClinVar:

ClinVar aggregate classification (germline): Uncertain significance (1 of 4 stars; one submission).

Conditions:
Myofibrillar myopathy 6. Identifiers: Orphanet 199340, MedGen C2751831, MONDO:0013061, OMIM 612954.
Dilated cardiomyopathy 1HH (CMD1HH). Identifiers: Orphanet 154, MedGen C3151293, MONDO:0013479, OMIM 613881.

gnomAD v4.1: 3 of 1,609,398 alleles (0.00019%); highest among the groups gnomAD compares: Non-Finnish European, 0.00025%; no homozygotes.

Submission:

Labcorp Genetics (formerly Invitae), Labcorp
Classification: Uncertain significance for Dilated cardiomyopathy 1HH; Myofibrillar myopathy 6. Last evaluated: 2024-08-28. Review status: criteria provided, single submitter. Criteria: Invitae Variant Classification Sherloc (09022015). Collection method: clinical testing. Allele origin: germline.
Comment: This sequence change replaces proline, which is neutral and non-polar, with threonine, which is neutral and polar, at codon 162 of the BAG3 protein (p.Pro162Thr). This variant is not present in population databases (gnomAD no frequency). This variant has not been reported in the literature in individuals affected with BAG3-related conditions. ClinVar contains an entry for this variant (Variation ID: 1438105). Invitae Evidence Modeling of protein sequence and biophysical properties (such as structural, functional, and spatial information, amino acid conservation, physicochemical variation, residue mobility, and thermodynamic stability) indicates that this missense variant is not expected to disrupt BAG3 protein function with a negative predictive value of 80%. In summary, the available evidence is currently insufficient to determine the role of this variant in disease. Therefore, it has been classified as a Variant of Uncertain Significance.

NM_004281.4(BAG3):c.484C>A (p.Pro162Thr)

Gene: BAG3 (BAG cochaperone 3; plus strand). Cytogenetic location: 10q26.11.
Variant type: single nucleotide variant.
Coding change: c.484C>A on transcript NM_004281.4 (MANE Select); coding-DNA position 484, C replaced by A.
Protein change: p.Pro162Thr; replaces proline 162 with threonine.
Molecular consequence: missense variant.
Genome position (GRCh38, 1-based): chr10:119,670,154, C>A. VCF-style: chr10-119670154-C-A. GRCh37 (hg19) VCF-style: chr10-121429666-C-A.
Other names: short protein forms P162T.
Identifiers: ClinVar variation 1438105 (VCV001438105.6), dbSNP rs2134063622, ClinGen allele CA378295180.
Genomic context (GRCh38, chr10:119,670,154, plus strand): 5'-CCAGAAACCACTCAGCCAGATAAACAGTGTGGACAGGTGGCAGCGGCGGCGGCAGCCCAG[C>A]CCCCAGCCTCCCACGGACCTGAGGTAAGGAGAGGCCAGGCTCACCAGCCTGCTGGGGAGC-3'
Protein context (NP_004272.2, residues 152-172): GQVAAAAAAQ[Pro162Thr]PASHGPERSQ